The following is an entry in ClinVar:

NM_014629.4(ARHGEF10):c.3379G>C (p.Val1127Leu)

Gene: ARHGEF10 (Rho guanine nucleotide exchange factor 10; plus strand). Cytogenetic location: 8p23.3.
Variant type: single nucleotide variant.
Coding change: c.3379G>C on transcript NM_014629.4 (MANE Select); coding-DNA position 3379, G replaced by C.
Protein change: p.Val1127Leu; replaces valine 1127 with leucine.
Molecular consequence: missense variant.
Genome position (GRCh38, 1-based): chr8:1,945,637, G>C. VCF-style: chr8-1945637-G-C. GRCh37 (hg19) VCF-style: chr8-1893803-G-C.
Other names: c.3265G>C, p.Val1089Leu (NM_001308152.2); c.3379G>C, p.Val1127Leu (NM_001308153.3); short protein forms V1127L, V1089L, V1151L.
Identifiers: ClinVar variation 1440014 (VCV001440014.7), dbSNP rs201082852, ClinGen allele CA369956563.

ClinVar aggregate classification (germline): Uncertain significance. Review status: criteria provided, multiple submitters, no conflicts (2 of 4 stars). 2 submissions from 2 submitters: Uncertain significance (2). Last evaluated 2024-11-14.

Allele frequency attached by ClinVar (database versions not stated): gnomAD 0.00001.
gnomAD v4.1: 13 of 1,614,078 alleles (0.00081%); highest among the groups gnomAD compares: Non-Finnish European, 0.0011%; no homozygotes.

Submissions (2):

Ambry Genetics
Classification: Uncertain significance. Last evaluated: 2024-11-14. Review status: criteria provided, single submitter. Criteria: Ambry Variant Classification Scheme 2023. Collection method: clinical testing. Allele origin: germline.

Labcorp Genetics (formerly Invitae), Labcorp
Classification: Uncertain significance. Last evaluated: 2022-02-24. Review status: criteria provided, single submitter. Criteria: Invitae Variant Classification Sherloc (09022015). Collection method: clinical testing. Allele origin: germline.
Comment: In summary, the available evidence is currently insufficient to determine the role of this variant in disease. Therefore, it has been classified as a Variant of Uncertain Significance. Algorithms developed to predict the effect of missense changes on protein structure and function are either unavailable or do not agree on the potential impact of this missense change (SIFT: "Deleterious"; PolyPhen-2: "Benign"; Align-GVGD: "Class C0"). This variant has not been reported in the literature in individuals affected with ARHGEF10-related conditions. This variant is not present in population databases (gnomAD no frequency). This sequence change replaces valine, which is neutral and non-polar, with leucine, which is neutral and non-polar, at codon 1127 of the ARHGEF10 protein (p.Val1127Leu).